The following is an entry in ClinVar:

ClinVar aggregate classification (germline): Pathogenic (1 of 4 stars; one submission).

Conditions:
Myopathy, proximal, and ophthalmoplegia (CMYO6). Also called: MYOPATHY WITH CONGENITAL JOINT CONTRACTURES, OPHTHALMOPLEGIA, AND RIMMED VACUOLES; INCLUSION BODY MYOPATHY 3, AUTOSOMAL DOMINANT; CONGENITAL MYOPATHY 6 WITH OPHTHALMOPLEGIA. Identifiers: Orphanet 363677, Orphanet 79091, MedGen C1854106, MONDO:0011577, OMIM 605637.

Submission:

Labcorp Genetics (formerly Invitae), Labcorp
Classification: Pathogenic for Myopathy, proximal, and ophthalmoplegia. Last evaluated: 2025-08-18. Review status: criteria provided, single submitter. Criteria: Invitae Variant Classification Sherloc (09022015). Collection method: clinical testing. Allele origin: germline.
Comment: This sequence change creates a premature translational stop signal (p.Gln613*) in the MYH2 gene. It is expected to result in an absent or disrupted protein product. Loss-of-function variants in MYH2 are known to be pathogenic (PMID: 20418530, 23388406, 24193343). This variant is not present in population databases (gnomAD no frequency). This variant has not been reported in the literature in individuals affected with MYH2-related conditions. For these reasons, this variant has been classified as Pathogenic.

Literature cited by the submitters: PubMed 20418530; PubMed 23388406; PubMed 24193343.

NM_017534.6(MYH2):c.1837C>T (p.Gln613Ter)

Genes: MYH2 (myosin heavy chain 2; minus strand), MYHAS (myosin heavy chain gene cluster antisense RNA; plus strand). Cytogenetic location: 17p13.1.
Variant type: single nucleotide variant.
Coding change: c.1837C>T on transcript NM_017534.6 (MANE Select); coding-DNA position 1837, C replaced by T.
Protein change: p.Gln613Ter; replaces glutamine 613 with a stop codon.
Molecular consequence: nonsense.
Genome position (GRCh38, 1-based): chr17:10,537,293, G>A on the plus strand (C>T on the coding strand, the complement: MYH2 is on the minus strand). VCF-style: chr17-10537293-G-A. GRCh37 (hg19) VCF-style: chr17-10440610-G-A.
Other names: c.1837C>T, p.Gln613Ter (NM_001100112.2); short protein forms Q613*.
Identifiers: ClinVar variation 4720717 (VCV004720717.1).